The following is an entry in ClinVar:

ClinVar aggregate classification (germline): Pathogenic. Review status: criteria provided, multiple submitters, no conflicts (2 of 4 stars). 3 submissions from 3 submitters: Pathogenic (2). 1 of the submissions does not count toward it. Last evaluated 2024-02-20.

Conditions:
Peroxisome biogenesis disorder 11A (Zellweger). Also called: Peroxisome biogenesis disorder 11A. Identifiers: Orphanet 912, MedGen C3554000, MONDO:0013949, OMIM 614883.
PEX13-related disorder. Also called: PEX13-related condition; PEX13-related disorders.

Allele frequency attached by ClinVar (database versions not stated): gnomAD exomes below 0.00001; ExAC 0.00001; TOPMed 0.00001; ESP Exome Variant Server 0.00015.

Submissions (3):

Blueprint Genetics
Classification: Pathogenic for PEX13-related disorders. Last evaluated: 2024-02-20. Review status: criteria provided, single submitter. Criteria: ACMG Guidelines, 2015. Collection method: clinical testing. Allele origin: germline. Affected: yes. Observed: 2 variant alleles.

Labcorp Genetics (formerly Invitae), Labcorp
Classification: Pathogenic for Peroxisome biogenesis disorder 11A (Zellweger). Last evaluated: 2022-11-02. Review status: criteria provided, single submitter. Criteria: Invitae Variant Classification Sherloc (09022015). Collection method: clinical testing. Allele origin: germline.
Comment: This sequence change creates a premature translational stop signal (p.Arg226*) in the PEX13 gene. It is expected to result in an absent or disrupted protein product. Loss-of-function variants in PEX13 are known to be pathogenic (PMID: 10332040, 21031596). For these reasons, this variant has been classified as Pathogenic. This premature translational stop signal has been observed in individual(s) with PEX13-related conditions (PMID: 21031596). This variant is present in population databases (rs146554084, gnomAD 0.007%).

PreventionGenetics, part of Exact Sciences
Classification: Pathogenic for PEX13-related condition. Last evaluated: 2023-12-18. Review status: no assertion criteria provided. Collection method: clinical testing. Allele origin: germline. Not counted in ClinVar's aggregate classification.
Comment: The PEX13 c.676C>T variant is predicted to result in premature protein termination (p.Arg226*). This variant has been reported in the homozygous state in individuals with Zellweger syndrome H (Ebberink et al 2011. PubMed ID: 21031596). This variant is reported in 0.0062% of alleles in individuals of African descent in gnomAD. Nonsense variants in PEX13 are expected to be pathogenic. This variant is interpreted as pathogenic.

Literature cited by the submitters: PubMed 10332040 (cited by Labcorp Genetics (formerly Invitae), Labcorp); PubMed 21031596 (cited by Labcorp Genetics (formerly Invitae), Labcorp).

NM_002618.4(PEX13):c.676C>T (p.Arg226Ter)

Gene: PEX13 (peroxisomal biogenesis factor 13; plus strand). Cytogenetic location: 2p15.
Variant type: single nucleotide variant.
Coding change: c.676C>T on transcript NM_002618.4 (MANE Select); coding-DNA position 676, C replaced by T.
Protein change: p.Arg226Ter; replaces arginine 226 with a stop codon.
Molecular consequence: nonsense.
Genome position (GRCh38, 1-based): chr2:61,032,002, C>T. VCF-style: chr2-61032002-C-T. GRCh37 (hg19) VCF-style: chr2-61259137-C-T.
Other names: c.676C>T (NM_002618.3); short protein forms R226*.
Identifiers: ClinVar variation 2727059 (VCV002727059.6), dbSNP rs146554084, ClinGen allele CA1673331.
Genomic context (GRCh38, chr2:61,032,002, plus strand): 5'-GAGAATGAAGACCTCTGGGCAGAGAGTGAAGGAACTGTGGCATGCCTTGGTGCTGAGGAC[C>T]GAGCAGCTACCTCAGCAAAATCTTGGCCAATATTCTTGTTCTTTGCTGTTATCCTTGGTG-3'